The following is an entry in ClinVar:

ClinVar aggregate classification (germline): Uncertain significance (1 of 4 stars; one submission).

Conditions:
Inborn genetic diseases. Identifiers: MedGen C0950123, MeSH D030342.

gnomAD v4.1: 4 of 1,614,196 alleles (0.00025%); highest among the groups gnomAD compares: Non-Finnish European, 0.00025%; no homozygotes.

Submission:

Ambry Genetics
Classification: Uncertain significance for Inborn genetic diseases. Last evaluated: 2024-12-30. Review status: criteria provided, single submitter. Criteria: Ambry Variant Classification Scheme 2023. Collection method: clinical testing. Allele origin: germline.
Comment: The p.N1001S variant (also known as c.3002A>G), located in coding exon 13 of the BMPR2 gene, results from an A to G substitution at nucleotide position 3002. The asparagine at codon 1001 is replaced by serine, an amino acid with highly similar properties. This amino acid position is conserved. In addition, this alteration is predicted to be tolerated by in silico analysis. Based on the available evidence, the clinical significance of this variant remains unclear.

NM_001204.7(BMPR2):c.3002A>G (p.Asn1001Ser)

Gene: BMPR2 (bone morphogenetic protein receptor type 2; plus strand). Cytogenetic location: 2q33.2.
Variant type: single nucleotide variant.
Coding change: c.3002A>G on transcript NM_001204.7 (MANE Select); coding-DNA position 3002, A replaced by G.
Protein change: p.Asn1001Ser; replaces asparagine 1001 with serine.
Molecular consequence: missense variant.
Genome position (GRCh38, 1-based): chr2:202,559,831, A>G. VCF-style: chr2-202559831-A-G. GRCh37 (hg19) VCF-style: chr2-203424554-A-G.
Other names: short protein forms N1001S.
Identifiers: ClinVar variation 3824795 (VCV003824795.1).
Genomic context (GRCh38, chr2:202,559,831, plus strand): 5'-TTAAGCGGTGGCGCCCCTCCACCTGGGTCATCTCCACTGAATCGCTGGACTGTGAAGTCA[A>G]CAATAATGGCAGTAACAGGGCAGTTCATTCCAAATCCAGCACTGCTGTTTACCTTGCAGA-3'
Protein context (NP_001195.2, residues 991-1011): ISTESLDCEV[Asn1001Ser]NNGSNRAVHS